The following is an entry in ClinVar:

ClinVar aggregate classification (germline): Likely benign (1 of 4 stars; one submission).

Conditions:
CACNA1F-related disorder. Also called: CACNA1F-related condition.

gnomAD v4.1: 16 of 111,081 alleles (0.014%); highest among the groups gnomAD compares: African/African-American, 0.053%; no homozygotes.

Submission:

PreventionGenetics, part of Exact Sciences
Classification: Likely benign for CACNA1F-related condition. Last evaluated: 2025-02-05. Review status: criteria provided, single submitter. Criteria: ACMG Guidelines, 2015. Collection method: clinical testing. Allele origin: germline.
Comment: This variant is classified as likely benign based on ACMG/AMP sequence variant interpretation guidelines (Richards et al. 2015 PMID: 25741868, with internal and published modifications).

NM_001256789.3(CACNA1F):c.818-826G>T

Gene: CACNA1F (calcium voltage-gated channel subunit alpha1 F; minus strand). Cytogenetic location: Xp11.23.
Variant type: single nucleotide variant.
Coding change: c.818-826G>T on transcript NM_001256789.3 (MANE Select); 826 bases into the intron before coding-DNA position 818, G replaced by T.
Molecular consequence: intron variant.
Genome position (GRCh38, 1-based): chrX:49,229,273, C>A on the plus strand (G>T on the coding strand, the complement: CACNA1F is on the minus strand). VCF-style: chrX-49229273-C-A. GRCh37 (hg19) VCF-style: chrX-49085735-C-A.
Other names: c.818-826G>T (NM_005183.4); c.623-826G>T (NM_001256790.3).
Identifiers: ClinVar variation 4983202 (VCV004983202.1).
Genomic context (GRCh38, chrX:49,229,273, plus strand): 5'-GCGATCCGATCTCAGCTCACTGCAACCTCCATCTCCCAGGCTCAAGTGATTCTCATGCCG[C>A]AGCCTCCCGAGTAGCTGGGATTACAGACATGCACCACCACGCCCGGCTCAACTTTGTATT-3'